The following is an entry in ClinVar:

NM_001308210.2(TSHZ1):c.1983G>A (p.Lys661=)

Gene: TSHZ1 (teashirt zinc finger homeobox 1; plus strand). Cytogenetic location: 18q22.3.
Variant type: single nucleotide variant.
Coding change: c.1983G>A on transcript NM_001308210.2 (MANE Select); coding-DNA position 1983, G replaced by A.
Protein change: p.Lys661=; no amino-acid change (lysine 661 retained).
Molecular consequence: synonymous variant.
Genome position (GRCh38, 1-based): chr18:75,287,390, G>A. VCF-style: chr18-75287390-G-A. GRCh37 (hg19) VCF-style: chr18-72999345-G-A.
Other names: c.1848G>A, p.Lys616= (NM_005786.6).
Identifiers: ClinVar variation 3036915 (VCV003036915.2), dbSNP rs1248776224, ClinGen allele CA504569364.

ClinVar aggregate classification (germline): Likely benign (0 of 4 stars; one submission).

Conditions:
TSHZ1-related disorder. Also called: TSHZ1-related condition.

gnomAD v4.1: 2 of 1,614,012 alleles (0.00012%); highest among the groups gnomAD compares: African/African-American, 0.0013%; no homozygotes.

Submission:

PreventionGenetics, part of Exact Sciences
Classification: Likely benign for TSHZ1-related condition. Last evaluated: 2020-06-09. Review status: no assertion criteria provided. Collection method: clinical testing. Allele origin: germline.
Comment: This variant is classified as likely benign based on ACMG/AMP sequence variant interpretation guidelines (Richards et al. 2015 PMID: 25741868, with internal and published modifications).